The following is an entry in ClinVar:

ClinVar aggregate classification (germline): Uncertain significance. Review status: criteria provided, multiple submitters, no conflicts (2 of 4 stars). 2 submissions from 2 submitters: Uncertain significance (2). Last evaluated 2025-05-16.

Conditions:
Hereditary cancer-predisposing syndrome. Also called: Hereditary neoplastic syndrome; Neoplastic Syndromes, Hereditary; Tumor predisposition; Hereditary Cancer Syndrome. Identifiers: Orphanet 140162, MedGen C0027672, MeSH D009386, MONDO:0015356.
Microcephaly, normal intelligence and immunodeficiency (NBS). Also called: Nijmegen breakage syndrome; Microcephaly with normal intelligence immunodeficiency and lymphoreticular malignancies; Nonsyndromal microcephaly autosomal recessive with normal intelligence; Seemanova syndrome 2; Ataxia telangiectasia variant V1; SEEMANOVA SYNDROME II. Identifiers: Orphanet 647, MedGen C0398791, MONDO:0009623, OMIM 251260.

Allele frequency attached by ClinVar (database versions not stated): gnomAD exomes below 0.00001.
gnomAD v4.1: 2 of 1,601,758 alleles (0.00012%); highest among the groups gnomAD compares: Non-Finnish European, 0.00017%; no homozygotes.

Submissions (2):

Ambry Genetics
Classification: Uncertain significance for Hereditary cancer-predisposing syndrome. Last evaluated: 2025-05-16. Review status: criteria provided, single submitter. Criteria: Ambry Variant Classification Scheme 2023. Collection method: clinical testing. Allele origin: germline.
Comment: The p.P306S variant (also known as c.916C>T), located in coding exon 8 of the NBN gene, results from a C to T substitution at nucleotide position 916. The proline at codon 306 is replaced by serine, an amino acid with similar properties. This amino acid position is conserved. In addition, this alteration is predicted to be tolerated by in silico analysis. Based on the available evidence, the clinical significance of this variant remains unclear.

Labcorp Genetics (formerly Invitae), Labcorp
Classification: Uncertain significance for Microcephaly, normal intelligence and immunodeficiency. Last evaluated: 2020-10-01. Review status: criteria provided, single submitter. Criteria: Invitae Variant Classification Sherloc (09022015). Collection method: clinical testing. Allele origin: germline.
Comment: In summary, the available evidence is currently insufficient to determine the role of this variant in disease. Therefore, it has been classified as a Variant of Uncertain Significance. Algorithms developed to predict the effect of missense changes on protein structure and function are either unavailable or do not agree on the potential impact of this missense change (SIFT: "Tolerated"; PolyPhen-2: "Possibly Damaging"; Align-GVGD: "Class C0"). This variant has not been reported in the literature in individuals with NBN-related conditions. This variant is not present in population databases (ExAC no frequency). This sequence change replaces proline with serine at codon 306 of the NBN protein (p.Pro306Ser). The proline residue is moderately conserved and there is a moderate physicochemical difference between proline and serine.

NM_002485.5(NBN):c.916C>T (p.Pro306Ser)

Gene: NBN (nibrin; minus strand). Cytogenetic location: 8q21.3.
Variant type: single nucleotide variant.
Coding change: c.916C>T on transcript NM_002485.5 (MANE Select); coding-DNA position 916, C replaced by T.
Protein change: p.Pro306Ser; replaces proline 306 with serine.
Molecular consequence: missense variant.
Genome position (GRCh38, 1-based): chr8:89,964,488, G>A on the plus strand (C>T on the coding strand, the complement: NBN is on the minus strand). VCF-style: chr8-89964488-G-A. GRCh37 (hg19) VCF-style: chr8-90976716-G-A.
Other names: c.670C>T, p.Pro224Ser (NM_001024688.3); c.916C>T (NM_002485.4); short protein forms P306S, P224S.
Identifiers: ClinVar variation 1046420 (VCV001046420.9), dbSNP rs1811151665, ClinGen allele CA371657099.